The following is an entry in ClinVar:

NM_004990.4(MARS1):c.1244G>T (p.Gly415Val)

Gene: MARS1 (methionyl-tRNA synthetase 1; plus strand). Cytogenetic location: 12q13.3.
Variant type: single nucleotide variant.
Coding change: c.1244G>T on transcript NM_004990.4 (MANE Select); coding-DNA position 1244, G replaced by T.
Protein change: p.Gly415Val; replaces glycine 415 with valine.
Molecular consequence: missense variant.
Genome position (GRCh38, 1-based): chr12:57,500,473, G>T. VCF-style: chr12-57500473-G-T. GRCh37 (hg19) VCF-style: chr12-57894256-G-T.
Other names: short protein forms G415V.
Identifiers: ClinVar variation 802867 (VCV000802867.6), dbSNP rs1594821386, ClinGen allele CA385458355.
Genomic context (GRCh38, chr12:57,500,473, plus strand): 5'-TCCTGGCTGACCGCTTCGTGGAGGGCGTGTGTCCCTTCTGTGGCTATGAGGAGGCTCGGG[G>T]TGACCAGTGTGACAAGTGTGGCAAGCTCATCAATGCTGTCGAGCTTAAGGTAAGAGGAGG-3'
Protein context (NP_004981.2, residues 405-425): CPFCGYEEAR[Gly415Val]DQCDKCGKLI

ClinVar aggregate classification (germline): Uncertain significance. Review status: criteria provided, multiple submitters, no conflicts (2 of 4 stars). 2 submissions from 2 submitters: Uncertain significance (2). Last evaluated 2022-10-17.

Conditions:
Severe early-onset pulmonary alveolar proteinosis due to MARS deficiency. Also called: PULMONARY ALVEOLAR PROTEINOSIS, REUNION ISLAND; Interstitial lung and liver disease. Identifiers: Orphanet 440427, MedGen C4225400, MONDO:0014206, OMIM 615486.
Charcot-Marie-Tooth disease axonal type 2U. Also called: CHARCOT-MARIE-TOOTH NEUROPATHY, TYPE 2U; CHARCOT-MARIE-TOOTH DISEASE, AXONAL, AUTOSOMAL DOMINANT, TYPE 2U. Identifiers: Orphanet 397735, MedGen C4084821, MONDO:0014566, OMIM 616280.

gnomAD v4.1: 2 of 1,614,242 alleles (0.00012%); highest among the groups gnomAD compares: Non-Finnish European, 0.000085%; no homozygotes.

Submissions (2):

Labcorp Genetics (formerly Invitae), Labcorp
Classification: Uncertain significance for Charcot-Marie-Tooth disease axonal type 2U; Severe early-onset pulmonary alveolar proteinosis due to MARS deficiency. Last evaluated: 2022-10-17. Review status: criteria provided, single submitter. Criteria: Invitae Variant Classification Sherloc (09022015). Collection method: clinical testing. Allele origin: germline.
Comment: ClinVar contains an entry for this variant (Variation ID: 802867). This variant has not been reported in the literature in individuals affected with MARS-related conditions. This variant is not present in population databases (gnomAD no frequency). This sequence change replaces glycine, which is neutral and non-polar, with valine, which is neutral and non-polar, at codon 415 of the MARS protein (p.Gly415Val). Algorithms developed to predict the effect of missense changes on protein structure and function (SIFT, PolyPhen-2, Align-GVGD) all suggest that this variant is likely to be disruptive. In summary, the available evidence is currently insufficient to determine the role of this variant in disease. Therefore, it has been classified as a Variant of Uncertain Significance.

Mendelics
Classification: Uncertain significance for Severe early-onset pulmonary alveolar proteinosis due to MARS deficiency. Last evaluated: 2019-05-28. Review status: criteria provided, single submitter. Criteria: Mendelics Assertion Criteria 2017. Collection method: clinical testing. Allele origin: unknown.